The following is an entry in ClinVar:

NM_004606.5(TAF1):c.611A>C (p.Glu204Ala)

Gene: TAF1 (TATA-box binding protein associated factor 1; plus strand). Cytogenetic location: Xq13.1.
Variant type: single nucleotide variant.
Coding change: c.611A>C on transcript NM_004606.5 (MANE Select); coding-DNA position 611, A replaced by C.
Protein change: p.Glu204Ala; replaces glutamic acid 204 with alanine.
Molecular consequence: missense variant. On other transcripts: non-coding transcript variant (9).
Genome position (GRCh38, 1-based): chrX:71,377,088, A>C. VCF-style: chrX-71377088-A-C. GRCh37 (hg19) VCF-style: chrX-70596938-A-C.
Other names: c.611A>C, p.Glu204Ala (NM_001286074.2); c.548A>C, p.Glu183Ala (NM_138923.4); short protein forms E183A, E204A.
Identifiers: ClinVar variation 2889097 (VCV002889097.3), dbSNP rs891180704, ClinGen allele CA331007696.
Genomic context (GRCh38, chrX:71,377,088, plus strand): 5'-GTAGTTCCTCTGACTCAGAATCTGAGATGGGACCTCAGGAAGCAACACAGGCAGAATCTG[A>C]AGATGGAAAGCTGACCCTTCCATTGGCTGGGATTATGCAGCATGATGCCACCAAGCTGTT-3'
Protein context (NP_004597.3, residues 194-214): GPQEATQAES[Glu204Ala]DGKLTLPLAG

ClinVar aggregate classification (germline): Uncertain significance (1 of 4 stars; one submission).

Allele frequency attached by ClinVar (database versions not stated): gnomAD 0.00001; gnomAD exomes 0.00001; TOPMed 0.00002.
gnomAD v4.1: 14 of 1,209,784 alleles (0.0012%); highest among the groups gnomAD compares: African/African-American, 0.0035%; no homozygotes.

Submission:

Labcorp Genetics (formerly Invitae), Labcorp
Classification: Uncertain significance. Last evaluated: 2024-01-19. Review status: criteria provided, single submitter. Criteria: Invitae Variant Classification Sherloc (09022015). Collection method: clinical testing. Allele origin: germline.
Comment: This sequence change replaces glutamic acid, which is acidic and polar, with alanine, which is neutral and non-polar, at codon 224 of the TAF1 protein (p.Glu224Ala). This variant is not present in population databases (gnomAD no frequency). This variant has not been reported in the literature in individuals affected with TAF1-related conditions. An algorithm developed to predict the effect of missense changes on protein structure and function (PolyPhen-2) suggests that this variant is likely to be tolerated. In summary, the available evidence is currently insufficient to determine the role of this variant in disease. Therefore, it has been classified as a Variant of Uncertain Significance.